The following is an entry in ClinVar:

NM_000038.6(APC):c.5978C>T (p.Pro1993Leu)

Gene: APC (APC regulator of Wnt signaling pathway; plus strand). Cytogenetic location: 5q22.2.
Variant type: single nucleotide variant.
Coding change: c.5978C>T on transcript NM_000038.6 (MANE Select); coding-DNA position 5978, C replaced by T.
Protein change: p.Pro1993Leu; replaces proline 1993 with leucine.
Molecular consequence: missense variant. On other transcripts: non-coding transcript variant (2).
Genome position (GRCh38, 1-based): chr5:112,841,572, C>T. VCF-style: chr5-112841572-C-T. GRCh37 (hg19) VCF-style: chr5-112177269-C-T.
Other names: c.5978C>T, p.Pro1993Leu (NM_001127510.3, NM_001354895.2, NM_001407450.1); c.5924C>T, p.Pro1975Leu (NM_001127511.3); c.6032C>T, p.Pro2011Leu (NM_001354896.2, NM_001407447.1, NM_001407448.1 and 1 more transcripts); c.6008C>T, p.Pro2003Leu (NM_001354897.2); c.5903C>T, p.Pro1968Leu (NM_001354898.2); c.5894C>T, p.Pro1965Leu (NM_001354899.2); c.5855C>T, p.Pro1952Leu (NM_001354900.2); c.5801C>T, p.Pro1934Leu (NM_001354901.2, NM_001407453.1); and 11 more; short protein forms P1864L, P1993L, P1609L, P1710L, P1965L, P1975L, P1833L, P1867L.
Identifiers: ClinVar variation 2567039 (VCV002567039.2), dbSNP rs1561604276, ClinGen allele CA16034420.

ClinVar aggregate classification (germline): Uncertain significance (1 of 4 stars; one submission).

Conditions:
Hereditary cancer-predisposing syndrome. Also called: Hereditary neoplastic syndrome; Hereditary Cancer Syndrome; Neoplastic Syndromes, Hereditary; Tumor predisposition. Identifiers: Orphanet 140162, MedGen C0027672, MeSH D009386, MONDO:0015356.

Submission:

Ambry Genetics
Classification: Uncertain significance for Hereditary cancer-predisposing syndrome. Last evaluated: 2023-05-26. Review status: criteria provided, single submitter. Criteria: Ambry Variant Classification Scheme 2023. Collection method: clinical testing. Allele origin: germline.
Comment: The p.P1993L variant (also known as c.5978C>T), located in coding exon 15 of the APC gene, results from a C to T substitution at nucleotide position 5978. The proline at codon 1993 is replaced by leucine, an amino acid with similar properties. This amino acid position is poorly conserved in available vertebrate species. In addition, in silico predictors for this gene do not accurately predict pathogenicity. Since supporting evidence is limited at this time, the clinical significance of this alteration remains unclear.